The following is an entry in ClinVar:

NM_001367624.2(ZNF469):c.1958C>A (p.Pro653His)

Gene: ZNF469 (zinc finger protein 469; plus strand). Cytogenetic location: 16q24.2.
Variant type: single nucleotide variant.
Coding change: c.1958C>A on transcript NM_001367624.2 (MANE Select); coding-DNA position 1958, C replaced by A.
Protein change: p.Pro653His; replaces proline 653 with histidine.
Molecular consequence: missense variant.
Genome position (GRCh38, 1-based): chr16:88,429,428, C>A. VCF-style: chr16-88429428-C-A. GRCh37 (hg19) VCF-style: chr16-88495836-C-A.
Other names: NM_001127464.1:c.1958C>A; short protein forms P653H.
Identifiers: ClinVar variation 2449471 (VCV002449471.4), dbSNP rs780409854, ClinGen allele CA8224727.

ClinVar aggregate classification (germline): Uncertain significance (1 of 4 stars; one submission).

Conditions:
Cardiovascular phenotype. Identifiers: MedGen CN230736.

Allele frequency attached by ClinVar (database versions not stated): ExAC 0.00007.
gnomAD v4.1: 27 of 1,540,548 alleles (0.0018%); highest among the groups gnomAD compares: South Asian, 0.027%; no homozygotes.

Submission:

Ambry Genetics
Classification: Uncertain significance for Cardiovascular phenotype. Last evaluated: 2025-04-13. Review status: criteria provided, single submitter. Criteria: Ambry Variant Classification Scheme 2023. Collection method: clinical testing. Allele origin: germline.
Comment: The p.P653H variant (also known as c.1958C>A), located in coding exon 1 of the ZNF469 gene, results from a C to A substitution at nucleotide position 1958. The proline at codon 653 is replaced by histidine, an amino acid with similar properties. This amino acid position is conserved. In addition, this alteration is predicted to be tolerated by in silico analysis. Since supporting evidence is limited at this time, the clinical significance of this alteration remains unclear.